The following is an entry in ClinVar:

ClinVar aggregate classification (germline): Uncertain significance (1 of 4 stars; one submission).

Allele frequency attached by ClinVar (database versions not stated): gnomAD exomes below 0.00001 and 0.00001; TOPMed below 0.00001; ExAC 0.00002.
gnomAD v4.1: 2 of 1,610,842 alleles (0.00012%); highest among the groups gnomAD compares: Admixed American, 0.0034%; no homozygotes.

Submission:

Labcorp Genetics (formerly Invitae), Labcorp
Classification: Uncertain significance. Last evaluated: 2021-02-19. Review status: criteria provided, single submitter. Criteria: Invitae Variant Classification Sherloc (09022015). Collection method: clinical testing. Allele origin: germline.
Comment: In summary, the available evidence is currently insufficient to determine the role of this variant in disease. Therefore, it has been classified as a Variant of Uncertain Significance. Algorithms developed to predict the effect of missense changes on protein structure and function (SIFT, PolyPhen-2, Align-GVGD) all suggest that this variant is likely to be tolerated, but these predictions have not been confirmed by published functional studies and their clinical significance is uncertain. This variant has not been reported in the literature in individuals with PYROXD1-related conditions. This variant is present in population databases (rs749145887, ExAC 0.02%). This sequence change replaces serine with proline at codon 226 of the PYROXD1 protein (p.Ser226Pro). The serine residue is weakly conserved and there is a moderate physicochemical difference between serine and proline.

NM_024854.5(PYROXD1):c.676T>C (p.Ser226Pro)

Gene: PYROXD1 (pyridine nucleotide-disulphide oxidoreductase domain 1; plus strand). Cytogenetic location: 12p12.1.
Variant type: single nucleotide variant.
Coding change: c.676T>C on transcript NM_024854.5 (MANE Select); coding-DNA position 676, T replaced by C.
Protein change: p.Ser226Pro; replaces serine 226 with proline.
Molecular consequence: missense variant. On other transcripts: 5 prime UTR variant (1).
Genome position (GRCh38, 1-based): chr12:21,456,021, T>C. VCF-style: chr12-21456021-T-C. GRCh37 (hg19) VCF-style: chr12-21608955-T-C.
Other names: c.463T>C, p.Ser155Pro (NM_001350912.2); c.-102T>C (NM_001350913.2); short protein forms S155P, S226P.
Identifiers: ClinVar variation 1512152 (VCV001512152.8), dbSNP rs749145887, ClinGen allele CA6478293.